The following is an entry in ClinVar:

NM_000541.5(SAG):c.843G>A (p.Thr281=)

Gene: SAG (S-antigen visual arrestin; plus strand). Cytogenetic location: 2q37.1.
Variant type: single nucleotide variant.
Coding change: c.843G>A on transcript NM_000541.5 (MANE Select); coding-DNA position 843, G replaced by A.
Protein change: p.Thr281=; no amino-acid change (threonine 281 retained).
Molecular consequence: synonymous variant.
Genome position (GRCh38, 1-based): chr2:233,334,998, G>A. VCF-style: chr2-233334998-G-A. GRCh37 (hg19) VCF-style: chr2-234243644-G-A.
Other names: c.843G>A (NM_000541.4).
Identifiers: ClinVar variation 497997 (VCV000497997.16), dbSNP rs374774483, ClinGen allele CA2174562.

ClinVar aggregate classification (germline): Conflicting classifications of pathogenicity. Review status: criteria provided, conflicting classifications (1 of 4 stars). 4 submissions from 4 submitters: Uncertain significance (1); Likely benign (3). Last evaluated 2025-03-17.

Conditions:
SAG-related disorder. Also called: SAG-related condition; SAG-related disorders.

Allele frequency attached by ClinVar (database versions not stated): gnomAD exomes 0.00004; TOPMed 0.00007; ESP Exome Variant Server 0.00008; gnomAD 0.00008 and 0.00009; ExAC 0.00011.
gnomAD v4.1: 77 of 1,613,874 alleles (0.0048%); highest among the groups gnomAD compares: African/African-American, 0.027%; 1 homozygote.

Submissions (4):

Labcorp Genetics (formerly Invitae), Labcorp
Classification: Likely benign. Last evaluated: 2025-03-17. Review status: criteria provided, single submitter. Criteria: Invitae Variant Classification Sherloc (09022015). Collection method: clinical testing. Allele origin: germline.

PreventionGenetics, part of Exact Sciences
Classification: Likely benign for SAG-related condition. Last evaluated: 2024-12-30. Review status: criteria provided, single submitter. Criteria: ACMG Guidelines, 2015. Collection method: clinical testing. Allele origin: germline.
Comment: This variant is classified as likely benign based on ACMG/AMP sequence variant interpretation guidelines (Richards et al. 2015 PMID: 25741868, with internal and published modifications).

Blueprint Genetics
Classification: Likely benign. Last evaluated: 2023-07-14. Review status: criteria provided, single submitter. Criteria: ACMG Guidelines, 2015. Collection method: clinical testing. Allele origin: germline.

Eurofins Ntd Llc (ga)
Classification: Uncertain significance. Last evaluated: 2016-11-17. Review status: criteria provided, single submitter. Criteria: EGL Classification Definitions 2015. Collection method: clinical testing. Allele origin: germline. Observed: 1 variant allele, 1 heterozygote.